The following is an entry in ClinVar:

ClinVar aggregate classification (germline): Pathogenic. Review status: criteria provided, single submitter (1 of 4 stars). 2 submissions from 1 submitter: Pathogenic (2). Last evaluated 2019-09-09.

Conditions:
Peroxisome biogenesis disorder 1A (Zellweger) (PBD1A). Also called: Zellweger leukodystrophy; Peroxisome biogenesis disorder 1a. Identifiers: MedGen C4721541, MONDO:0008953, OMIM 214100.
Zellweger spectrum disorders (ZS). Also called: Zellweger syndrome; Zellweger Spectrum Disorder; Zellweger Spectrum; Zellweger Spectrum Disorder (ZSD). Identifiers: Orphanet 912, MedGen C0043459, MONDO:0019609.

Submissions (2):

Labcorp Genetics (formerly Invitae), Labcorp
Classification: Pathogenic for Zellweger syndrome. Last evaluated: 2019-09-09. Review status: criteria provided, single submitter. Criteria: Invitae Variant Classification Sherloc (09022015). Collection method: clinical testing. Allele origin: germline.
Comment: This variant is an out-of-frame deletion of the genomic region encompassing exon 9 of the PEX1 gene. This is expected to create a premature translational stop signal and result in an absent or disrupted protein product. Deletions of PEX1 exon 9 have been observed in individuals affected with peroxisomal biogenesis disorders (PMID: 11439091). Loss-of-function variants in PEX1 are known to be pathogenic (PMID: 9398847, 16086329, 16141001, 21031596). For these reasons, this variant has been classified as Pathogenic.

Labcorp Genetics (formerly Invitae), Labcorp
Classification: Pathogenic for Zellweger spectrum disorders. Last evaluated: 2019-09-01. Review status: criteria provided, single submitter. Criteria: Invitae Variant Classification Sherloc (09022015). Collection method: clinical testing. Allele origin: germline.
Comment: For these reasons, this variant has been classified as Pathogenic. Loss-of-function variants in PEX1 are known to be pathogenic (PMID: 9398847, 16086329, 16141001, 21031596). Deletions of PEX1 exon 9 have been observed in individuals affected with peroxisomal biogenesis disorders (PMID: 11439091). This variant is an out-of-frame deletion of the genomic region encompassing exon 9 of the PEX1 gene. This is expected to create a premature translational stop signal and result in an absent or disrupted protein product.

Literature cited by the submitters: PubMed 11439091; PubMed 9398847; PubMed 16086329; PubMed 16141001; PubMed 21031596.

NC_000007.14:g.(?_92509319)_(92509421_?)del

Gene: PEX1 (peroxisomal biogenesis factor 1; minus strand). Cytogenetic location: 7q21.2.
Variant type: Deletion.
Identifiers: ClinVar variation 830618 (VCV000830618.8).